The following is an entry in ClinVar:

NM_001098511.3(KIF2A):c.717A>G (p.Gln239=)

Gene: KIF2A (kinesin family member 2A; plus strand). Cytogenetic location: 5q12.1.
Variant type: single nucleotide variant.
Coding change: c.717A>G on transcript NM_001098511.3 (MANE Select); coding-DNA position 717, A replaced by G.
Protein change: p.Gln239=; no amino-acid change (glutamine 239 retained).
Molecular consequence: synonymous variant.
Genome position (GRCh38, 1-based): chr5:62,358,144, A>G. VCF-style: chr5-62358144-A-G. GRCh37 (hg19) VCF-style: chr5-61653971-A-G.
Other names: c.636A>G, p.Gln212= (NM_001243952.2); c.660A>G, p.Gln220= (NM_001243953.2); c.717A>G, p.Gln239= (NM_004520.5); c.717A>G (NM_001098511.2).
Identifiers: ClinVar variation 1960967 (VCV001960967.7), dbSNP rs754709514, ClinGen allele CA3278861.

ClinVar aggregate classification (germline): Likely benign. Review status: criteria provided, single submitter (1 of 4 stars). 2 submissions from 2 submitters: Likely benign (1). 1 of the submissions does not count toward it. Last evaluated 2025-09-24.

Conditions:
KIF2A-related disorder. Also called: KIF2A-related condition.

Allele frequency attached by ClinVar (database versions not stated): ExAC 0.00003; TOPMed 0.00006; gnomAD 0.00008.
gnomAD v4.1: 18 of 1,557,102 alleles (0.0012%); highest among the groups gnomAD compares: African/African-American, 0.019%; no homozygotes.

Submissions (2):

Labcorp Genetics (formerly Invitae), Labcorp
Classification: Likely benign. Last evaluated: 2025-09-24. Review status: criteria provided, single submitter. Criteria: Invitae Variant Classification Sherloc (09022015). Collection method: clinical testing. Allele origin: germline.

PreventionGenetics, part of Exact Sciences
Classification: Likely benign for KIF2A-related condition. Last evaluated: 2019-09-11. Review status: no assertion criteria provided. Collection method: clinical testing. Allele origin: germline. Not counted in ClinVar's aggregate classification.
Comment: This variant is classified as likely benign based on ACMG/AMP sequence variant interpretation guidelines (Richards et al. 2015 PMID: 25741868, with internal and published modifications).